The following is an entry in ClinVar:

ClinVar aggregate classification (germline): Uncertain significance. Review status: criteria provided, multiple submitters, no conflicts (2 of 4 stars). 2 submissions from 2 submitters: Uncertain significance (2). Last evaluated 2022-01-14.

Allele frequency attached by ClinVar (database versions not stated): TOPMed 0.00001; gnomAD 0.00003 and 0.00004; gnomAD exomes 0.00003; ExAC 0.00005.
gnomAD v4.1: 68 of 1,614,000 alleles (0.0042%); highest among the groups gnomAD compares: East Asian, 0.0067%; no homozygotes.

Submissions (2):

Labcorp Genetics (formerly Invitae), Labcorp
Classification: Uncertain significance. Last evaluated: 2022-01-14. Review status: criteria provided, single submitter. Criteria: Invitae Variant Classification Sherloc (09022015). Collection method: clinical testing. Allele origin: germline.
Comment: This sequence change replaces arginine, which is basic and polar, with tryptophan, which is neutral and slightly polar, at codon 267 of the FOXI1 protein (p.Arg267Trp). This variant is present in population databases (rs750087966, gnomAD 0.006%). This variant has not been reported in the literature in individuals affected with FOXI1-related conditions. Algorithms developed to predict the effect of missense changes on protein structure and function are either unavailable or do not agree on the potential impact of this missense change (SIFT: "Deleterious"; PolyPhen-2: "Benign"; Align-GVGD: "Class C0"). In summary, the available evidence is currently insufficient to determine the role of this variant in disease. Therefore, it has been classified as a Variant of Uncertain Significance.

Breakthrough Genomics
Classification: Uncertain significance. Review status: criteria provided, single submitter. Criteria: ACMG Guidelines, 2015. Collection method: not provided. Allele origin: germline. Inheritance: Autosomal recessive inheritance. Affected: yes.

NM_012188.5(FOXI1):c.799C>T (p.Arg267Trp)

Gene: FOXI1 (forkhead box I1; plus strand). Cytogenetic location: 5q35.1.
Variant type: single nucleotide variant.
Coding change: c.799C>T on transcript NM_012188.5 (MANE Select); coding-DNA position 799, C replaced by T.
Protein change: p.Arg267Trp; replaces arginine 267 with tryptophan.
Molecular consequence: missense variant. On other transcripts: intron variant (1).
Genome position (GRCh38, 1-based): chr5:170,108,273, C>T. VCF-style: chr5-170108273-C-T. GRCh37 (hg19) VCF-style: chr5-169535277-C-T.
Other names: c.575-61C>T (NM_144769.4); short protein forms R267W.
Identifiers: ClinVar variation 1509603 (VCV001509603.6), dbSNP rs750087966, ClinGen allele CA3555100.